The following is an entry in ClinVar:

ClinVar aggregate classification (germline): Uncertain significance. Review status: criteria provided, multiple submitters, no conflicts (2 of 4 stars). 2 submissions from 2 submitters: Uncertain significance (2). Last evaluated 2025-11-17.

Conditions:
Combined immunodeficiency due to DOCK8 deficiency (HIES2). Also called: HYPER-IgE SYNDROME 2, AUTOSOMAL RECESSIVE, WITH RECURRENT INFECTIONS; HIES autosomal recessive; DOCK8 Deficiency; Hyper-IgE recurrent infection syndrome, autosomal recessive; HYPER-IgE RECURRENT INFECTION SYNDROME 2, AUTOSOMAL RECESSIVE. Identifiers: Orphanet 217390, MedGen C4722305, MONDO:0009478, OMIM 243700.

Allele frequency attached by ClinVar (database versions not stated): ExAC 0.00001; ESP Exome Variant Server 0.00008.
gnomAD v4.1: 28 of 1,613,510 alleles (0.0017%); highest among the groups gnomAD compares: African/African-American, 0.0053%; no homozygotes.

Submissions (2):

Labcorp Genetics (formerly Invitae), Labcorp
Classification: Uncertain significance for Combined immunodeficiency due to DOCK8 deficiency. Last evaluated: 2025-11-17. Review status: criteria provided, single submitter. Criteria: Invitae Variant Classification Sherloc (09022015). Collection method: clinical testing. Allele origin: germline.
Comment: This sequence change replaces proline, which is neutral and non-polar, with leucine, which is neutral and non-polar, at codon 108 of the DOCK8 protein (p.Pro108Leu). This variant is present in population databases (rs375758495, gnomAD 0.007%). This variant has not been reported in the literature in individuals affected with DOCK8-related conditions. ClinVar contains an entry for this variant (Variation ID: 1899093). Invitae Evidence Modeling of protein sequence and biophysical properties (such as structural, functional, and spatial information, amino acid conservation, physicochemical variation, residue mobility, and thermodynamic stability) indicates that this missense variant is expected to disrupt DOCK8 protein function with a positive predictive value of 80%. In summary, the available evidence is currently insufficient to determine the role of this variant in disease. Therefore, it has been classified as a Variant of Uncertain Significance.

Fulgent Genetics
Classification: Uncertain significance for Combined immunodeficiency due to DOCK8 deficiency. Last evaluated: 2024-06-04. Review status: criteria provided, single submitter. Criteria: ACMG Guidelines, 2015. Collection method: clinical testing. Allele origin: germline.

NM_203447.4(DOCK8):c.323C>T (p.Pro108Leu)

Genes: DOCK8 (dedicator of cytokinesis 8; plus strand), LOC126860552 (BRD4-independent group 4 enhancer GRCh37_chr9:285795-286994; plus strand). Cytogenetic location: 9p24.3.
Variant type: single nucleotide variant.
Coding change: c.323C>T on transcript NM_203447.4 (MANE Select); coding-DNA position 323, C replaced by T.
Protein change: p.Pro108Leu; replaces proline 108 with leucine.
Molecular consequence: missense variant.
Genome position (GRCh38, 1-based): chr9:286,627, C>T. VCF-style: chr9-286627-C-T. GRCh37 (hg19) VCF-style: chr9-286627-C-T.
Other names: c.119C>T, p.Pro40Leu (NM_001190458.2, NM_001193536.2); short protein forms P108L, P40L.
Identifiers: ClinVar variation 1899093 (VCV001899093.4), dbSNP rs375758495, ClinGen allele CA4957164.